The following is an entry in ClinVar:

ClinVar aggregate classification (germline): Pathogenic. Review status: criteria provided, multiple submitters, no conflicts (2 of 4 stars). 2 submissions from 2 submitters: Pathogenic (2). Last evaluated 2017-09-30.

Conditions:
Neurodevelopmental delay. Identifiers: MedGen C4022738, HP:0012758.
Coffin-Siris syndrome. Identifiers: Orphanet 1465, MedGen C0265338, MONDO:0015452.

Submissions (2):

Department of Paediatric Medicine, Post Graduation Institute of Medical Education and Research
Classification: Pathogenic for Coffin-Siris syndrome. Last evaluated: 2017-09-30. Review status: criteria provided, single submitter. Criteria: ACMG Guidelines, 2015. Collection method: curation. Allele origin: germline. Affected: yes. Observed: 1 variant allele.
Comment: Microcephaly, developmental delay, coarse facies, hirsutism, hypotonia, clinodactyly

Centre de Biologie Pathologie Génétique, Centre Hospitalier Universitaire de Lille
Classification: Pathogenic for Neurodevelopmental delay. Review status: criteria provided, single submitter. Criteria: ACMG Guidelines, 2015. Collection method: clinical testing. Allele origin: de novo. Affected: yes.

NM_001374828.1(ARID1B):c.5840del (p.Gly1947fs)

Gene: ARID1B (AT-rich interaction domain 1B; plus strand). Cytogenetic location: 6q25.3.
Variant type: Deletion.
Coding change: c.5840del on transcript NM_001374828.1 (MANE Select); coding-DNA position 5840, one base deleted (G; older notation c.5840delG).
Protein change: p.Gly1947fs; shifts the reading frame from glycine 1947.
Molecular consequence: frameshift variant.
Genome position (GRCh38, 1-based): chr6:157,206,612, G deleted; the last of 5 consecutive G bases (chr6:157,206,608-157,206,612); deleting any one gives the same sequence. VCF-style (leftmost placement, unchanged base first): chr6-157206607-CG-C. GRCh37 (hg19) VCF-style: chr6-157527741-CG-C.
Other names: c.5467delG (NM_020732.3); c.3341del, p.Gly1114fs (NM_001363725.2); c.5720del, p.Gly1907fs (NM_001371656.1, NM_001374820.1); c.5681del, p.Gly1894fs (NM_017519.3); short protein forms G1114fs, G1894fs, G1907fs, G1947fs.
Identifiers: ClinVar variation 1172514 (VCV001172514.3), dbSNP rs2128393408, ClinGen allele CA645564751.